The following is an entry in ClinVar:

NM_001199107.2(TBC1D24):c.1450G>A (p.Ala484Thr)

Gene: TBC1D24 (TBC1 domain family member 24; plus strand). Cytogenetic location: 16p13.3.
Variant type: single nucleotide variant.
Coding change: c.1450G>A on transcript NM_001199107.2 (MANE Select); coding-DNA position 1450, G replaced by A.
Protein change: p.Ala484Thr; replaces alanine 484 with threonine.
Molecular consequence: missense variant.
Genome position (GRCh38, 1-based): chr16:2,500,415, G>A. VCF-style: chr16-2500415-G-A. GRCh37 (hg19) VCF-style: chr16-2550416-G-A.
Other names: c.1432G>A, p.Ala478Thr (NM_020705.3); short protein forms A478T, A484T.
Identifiers: ClinVar variation 3754239 (VCV003754239.2).

ClinVar aggregate classification (germline): Uncertain significance (1 of 4 stars; one submission).

Conditions:
Autosomal dominant nonsyndromic hearing loss 65. Also called: Deafness, autosomal dominant 65; TBC1D24-Related Autosomal Dominant Nonsyndromic Hearing Loss (DFNA). Identifiers: Orphanet 90635, MedGen C3892048, MONDO:0014470, OMIM 616044.
Developmental and epileptic encephalopathy, 1 (DEE1). Also called: INFANTILE SPASM SYNDROME, X-LINKED 1; X-linked infantile spasms; West's syndrome; Tonic spasms with clustering, arrest of psychomotor development and hypsarrhythmia on EEG; X-Linked Infantile Spasm Syndrome; OHTAHARA SYNDROME, X-LINKED. Identifiers: MedGen C3463992, MONDO:0010632, OMIM 308350. Disease mechanism: loss of function.

Submission:

Labcorp Genetics (formerly Invitae), Labcorp
Classification: Uncertain significance for Developmental and epileptic encephalopathy, 1; Autosomal dominant nonsyndromic hearing loss 65. Last evaluated: 2024-06-26. Review status: criteria provided, single submitter. Criteria: Invitae Variant Classification Sherloc (09022015). Collection method: clinical testing. Allele origin: germline.
Comment: This sequence change replaces alanine, which is neutral and non-polar, with threonine, which is neutral and polar, at codon 484 of the TBC1D24 protein (p.Ala484Thr). This variant is not present in population databases (gnomAD no frequency). This variant has not been reported in the literature in individuals affected with TBC1D24-related conditions. Advanced modeling of protein sequence and biophysical properties (such as structural, functional, and spatial information, amino acid conservation, physicochemical variation, residue mobility, and thermodynamic stability) performed at Invitae indicates that this missense variant is not expected to disrupt TBC1D24 protein function with a negative predictive value of 95%. In summary, the available evidence is currently insufficient to determine the role of this variant in disease. Therefore, it has been classified as a Variant of Uncertain Significance.